The following is an entry in ClinVar:

ClinVar aggregate classification (germline): Benign/Likely benign. Review status: criteria provided, multiple submitters, no conflicts (2 of 4 stars). 5 submissions from 5 submitters: Benign (1); Likely benign (3). 1 of the submissions does not count toward it. Last evaluated 2025-12-01.

Conditions:
NDUFS2-related disorder. Also called: NDUFS2-related condition.
Mitochondrial complex I deficiency, nuclear type 6. Also called: Mitochondrial complex 1 deficiency, nuclear type 6. Identifiers: MedGen C4748759, MONDO:0032611, OMIM 618228.

Allele frequency attached by ClinVar (database versions not stated): gnomAD 0.00003; TOPMed 0.00006.
gnomAD v4.1: 49 of 1,613,636 alleles (0.003%); highest among the groups gnomAD compares: Admixed American, 0.082%; no homozygotes.

Submissions (5):

CeGaT Center for Human Genetics Tuebingen
Classification: Likely benign. Last evaluated: 2025-12-01. Review status: criteria provided, single submitter. Criteria: CeGaT Center For Human Genetics Tuebingen Variant Classification Criteria Version 2. Collection method: clinical testing. Allele origin: germline. Affected: yes. Observed: 1 variant allele.
Comment: NDUFS2: BP4, BP7

Labcorp Genetics (formerly Invitae), Labcorp
Classification: Likely benign. Last evaluated: 2025-04-02. Review status: criteria provided, single submitter. Criteria: Invitae Variant Classification Sherloc (09022015). Collection method: clinical testing. Allele origin: germline.

Genome-Nilou Lab
Classification: Likely benign for Mitochondrial complex I deficiency, nuclear type 6. Last evaluated: 2023-04-11. Review status: criteria provided, single submitter. Criteria: ACMG Guidelines, 2015. Collection method: clinical testing. Allele origin: germline. Affected: no.

GeneDx
Classification: Benign. Last evaluated: 2014-07-07. Review status: criteria provided, single submitter. Criteria: GeneDx Variant Classification (06012015). Collection method: clinical testing. Allele origin: germline. Affected: yes.
Comment: This variant is considered likely benign or benign based on one or more of the following criteria: it is a conservative change, it occurs at a poorly conserved position in the protein, it is predicted to be benign by multiple in silico algorithms, and/or has population frequency not consistent with disease.

PreventionGenetics, part of Exact Sciences
Classification: Likely benign for NDUFS2-related condition. Last evaluated: 2019-05-20. Review status: no assertion criteria provided. Collection method: clinical testing. Allele origin: germline. Not counted in ClinVar's aggregate classification.
Comment: This variant is classified as likely benign based on ACMG/AMP sequence variant interpretation guidelines (Richards et al. 2015 PMID: 25741868, with internal and published modifications).

NM_001377299.1(NDUFS2):c.177C>T (p.Ala59=)

Gene: NDUFS2 (NADH:ubiquinone oxidoreductase core subunit S2; plus strand). Cytogenetic location: 1q23.3.
Variant type: single nucleotide variant.
Coding change: c.177C>T on transcript NM_001377299.1 (MANE Select); coding-DNA position 177, C replaced by T.
Protein change: p.Ala59=; no amino-acid change (alanine 59 retained).
Molecular consequence: synonymous variant. On other transcripts: non-coding transcript variant (1).
Genome position (GRCh38, 1-based): chr1:161,203,518, C>T. VCF-style: chr1-161203518-C-T. GRCh37 (hg19) VCF-style: chr1-161173308-C-T.
Other names: p.A59A:GCC>GCT; c.177C>T, p.Ala59= (NM_001166159.2, NM_001377298.1, NM_001377300.1 and 3 more transcripts).
Identifiers: ClinVar variation 214791 (VCV000214791.17), dbSNP rs755626092, ClinGen allele CA325119.